The following is an entry in ClinVar:

ClinVar aggregate classification (germline): Uncertain significance. Review status: criteria provided, multiple submitters, no conflicts (2 of 4 stars). 2 submissions from 2 submitters: Uncertain significance (2). Last evaluated 2025-10-26.

Conditions:
Hereditary cancer-predisposing syndrome. Also called: Neoplastic Syndromes, Hereditary; Hereditary Cancer Syndrome; Tumor predisposition; Hereditary neoplastic syndrome. Identifiers: Orphanet 140162, MedGen C0027672, MeSH D009386, MONDO:0015356.

Allele frequency attached by ClinVar (database versions not stated): gnomAD exomes below 0.00001 and 0.00001; TOPMed below 0.00001; ExAC 0.00002.

Submissions (2):

Labcorp Genetics (formerly Invitae), Labcorp
Classification: Uncertain significance. Last evaluated: 2025-10-26. Review status: criteria provided, single submitter. Criteria: Invitae Variant Classification Sherloc (09022015). Collection method: clinical testing. Allele origin: germline.
Comment: This sequence change replaces threonine, which is neutral and polar, with asparagine, which is neutral and polar, at codon 289 of the NTHL1 protein (p.Thr289Asn). This variant is present in population databases (rs748379588, gnomAD 0.007%). This variant has not been reported in the literature in individuals affected with NTHL1-related conditions. ClinVar contains an entry for this variant (Variation ID: 1473273). An algorithm developed to predict the effect of missense changes on protein structure and function (PolyPhen-2) suggests that this variant is likely to be tolerated. In summary, the available evidence is currently insufficient to determine the role of this variant in disease. Therefore, it has been classified as a Variant of Uncertain Significance.

Ambry Genetics
Classification: Uncertain significance for Hereditary cancer-predisposing syndrome. Last evaluated: 2024-04-07. Review status: criteria provided, single submitter. Criteria: Ambry Variant Classification Scheme 2023. Collection method: clinical testing. Allele origin: germline.
Comment: The p.T289N variant (also known as c.866C>A), located in coding exon 6 of the NTHL1 gene, results from a C to A substitution at nucleotide position 866. The threonine at codon 289 is replaced by asparagine, an amino acid with similar properties. This amino acid position is not well conserved in available vertebrate species. In addition, the in silico prediction for this alteration is inconclusive. Since supporting evidence is limited at this time, the clinical significance of this alteration remains unclear.

NM_002528.7(NTHL1):c.842C>A (p.Thr281Asn)

Gene: NTHL1 (nth like DNA glycosylase 1; minus strand). Cytogenetic location: 16p13.3.
Variant type: single nucleotide variant.
Coding change: c.842C>A on transcript NM_002528.7 (MANE Select); coding-DNA position 842, C replaced by A.
Protein change: p.Thr281Asn; replaces threonine 281 with asparagine.
Molecular consequence: missense variant.
Genome position (GRCh38, 1-based): chr16:2,039,997, G>T on the plus strand (C>A on the coding strand, the complement: NTHL1 is on the minus strand). VCF-style: chr16-2039997-G-T. GRCh37 (hg19) VCF-style: chr16-2089998-G-T.
Other names: c.671C>A, p.Thr224Asn (NM_001318193.2); c.512C>A, p.Thr171Asn (NM_001318194.2); short protein forms T224N, T171N, T281N.
Identifiers: ClinVar variation 1473273 (VCV001473273.9), dbSNP rs748379588, ClinGen allele CA7828081.